The following is an entry in ClinVar:

NM_006766.5(KAT6A):c.3780del (p.Pro1261fs)

Gene: KAT6A (lysine acetyltransferase 6A; minus strand). Cytogenetic location: 8p11.21.
Variant type: Deletion.
Coding change: c.3780del on transcript NM_006766.5 (MANE Select); coding-DNA position 3780, one base deleted (T; older notation c.3780delT).
Protein change: p.Pro1261fs; shifts the reading frame from proline 1261.
Molecular consequence: frameshift variant.
Genome position (GRCh38, 1-based): chr8:41,934,440, A deleted on the plus strand (T on the coding strand, the reverse complement: KAT6A is on the minus strand). VCF-style (leftmost placement, unchanged base first): chr8-41934439-GA-G. GRCh37 (hg19) VCF-style: chr8-41791957-GA-G.
Other names: short protein forms P1261fs.
Identifiers: ClinVar variation 545910 (VCV000545910.2), dbSNP rs1554680115, ClinGen allele CA658822947.

ClinVar aggregate classification (germline): Pathogenic (1 of 4 stars; one submission).

Submission:

GeneDx
Classification: Pathogenic. Last evaluated: 2018-05-02. Review status: criteria provided, single submitter. Criteria: GeneDx Variant Classification (06012015). Collection method: clinical testing. Allele origin: germline. Affected: yes.
Comment: The c.3780delT variant in the KAT6A gene has not been reported previously as a pathogenic variant nor as a benign variant, to our knowledge. The c.3780delT variant causes a frameshift starting with codon Proline 1261, changes this amino acid to a Leucine residue, and creates a premature Stop codon at position 33 of the new reading frame, denoted p.Pro1261LeufsX33. This variant is predicted to cause loss of normal protein function through protein truncation. The c.3780delT variant is not observed in large population cohorts (Lek et al., 2016). We interpret c.3780delT as a pathogenic variant.